The following is an entry in ClinVar:

NM_000264.5(PTCH1):c.2995A>C (p.Ser999Arg)

Gene: PTCH1 (patched 1; minus strand). Cytogenetic location: 9q22.32.
Variant type: single nucleotide variant.
Coding change: c.2995A>C on transcript NM_000264.5 (MANE Select); coding-DNA position 2995, A replaced by C.
Protein change: p.Ser999Arg; replaces serine 999 with arginine.
Molecular consequence: missense variant. On other transcripts: non-coding transcript variant (1).
Genome position (GRCh38, 1-based): chr9:95,458,186, T>G on the plus strand (A>C on the coding strand, the complement: PTCH1 is on the minus strand). VCF-style: chr9-95458186-T-G. GRCh37 (hg19) VCF-style: chr9-98220468-T-G.
Other names: c.2995A>C (NM_000264.3); c.2797A>C, p.Ser933Arg (NM_001083602.3); c.2992A>C, p.Ser998Arg (NM_001083603.3); c.2542A>C, p.Ser848Arg (NM_001083604.3, NM_001083605.3, NM_001083606.3 and 1 more transcripts); c.2839A>C, p.Ser947Arg (NM_001354918.2); short protein forms S848R, S933R, S947R, S998R, S999R.
Identifiers: ClinVar variation 1008448 (VCV001008448.11), dbSNP rs1181905241, ClinGen allele CA374112617.
Genomic context (GRCh38, chr9:95,458,186, plus strand): 5'-CCCAGAAGAGGAAGGGGTAGCCGTTGGGGTAACTGGACAGCCCCAGGCTCGTATAGTTGC[T>G]GCAGATGGTCCTTACTTTTTCAATTGCCTCCACAAAGTCTGAGGTGTCCCGCAAGCCGTT-3'
Protein context (NP_000255.2, residues 989-1009): EAIEKVRTIC[Ser999Arg]NYTSLGLSSY

ClinVar aggregate classification (germline): Uncertain significance. Review status: criteria provided, multiple submitters, no conflicts (2 of 4 stars). 3 submissions from 3 submitters: Uncertain significance (3). Last evaluated 2024-08-14.

Conditions:
Gorlin syndrome. Also called: Nevoid Basal Cell Carcinoma Syndrome; Basal cell nevus syndrome. Identifiers: Orphanet 377, MedGen C0004779, MONDO:0007187.
Hereditary cancer-predisposing syndrome. Also called: Hereditary neoplastic syndrome; Neoplastic Syndromes, Hereditary; Tumor predisposition; Hereditary Cancer Syndrome. Identifiers: Orphanet 140162, MedGen C0027672, MeSH D009386, MONDO:0015356.

Allele frequency attached by ClinVar (database versions not stated): gnomAD exomes below 0.00001; TOPMed below 0.00001; gnomAD 0.00001.
gnomAD v4.1: 2 of 1,614,068 alleles (0.00012%); highest among the groups gnomAD compares: Non-Finnish European, 0.00017%; no homozygotes.

Submissions (3):

Ambry Genetics
Classification: Uncertain significance for Hereditary cancer-predisposing syndrome. Last evaluated: 2024-08-14. Review status: criteria provided, single submitter. Criteria: Ambry Variant Classification Scheme 2023. Collection method: clinical testing. Allele origin: germline.
Comment: The p.S999R variant (also known as c.2995A>C), located in coding exon 18 of the PTCH1 gene, results from an A to C substitution at nucleotide position 2995. The serine at codon 999 is replaced by arginine, an amino acid with dissimilar properties. This amino acid position is poorly conserved in available vertebrate species. In addition, this alteration is predicted to be tolerated by in silico analysis. Since supporting evidence is limited at this time, the clinical significance of this alteration remains unclear.

GeneDx
Classification: Uncertain significance. Last evaluated: 2024-08-12. Review status: criteria provided, single submitter. Criteria: GeneDx Variant Classification Process June 2021. Collection method: clinical testing. Allele origin: germline. Affected: yes.
Comment: Not observed at significant frequency in large population cohorts (gnomAD); In silico analysis indicates that this missense variant does not alter protein structure/function; Has not been previously published as pathogenic or benign to our knowledge; This variant is associated with the following publications: (PMID: 8906794)

Labcorp Genetics (formerly Invitae), Labcorp
Classification: Uncertain significance for Gorlin syndrome. Last evaluated: 2023-12-25. Review status: criteria provided, single submitter. Criteria: Invitae Variant Classification Sherloc (09022015). Collection method: clinical testing. Allele origin: germline.
Comment: This sequence change replaces serine, which is neutral and polar, with arginine, which is basic and polar, at codon 999 of the PTCH1 protein (p.Ser999Arg). This variant is not present in population databases (gnomAD no frequency). This variant has not been reported in the literature in individuals affected with PTCH1-related conditions. ClinVar contains an entry for this variant (Variation ID: 1008448). Advanced modeling of protein sequence and biophysical properties (such as structural, functional, and spatial information, amino acid conservation, physicochemical variation, residue mobility, and thermodynamic stability) performed at Invitae indicates that this missense variant is not expected to disrupt PTCH1 protein function with a negative predictive value of 95%. In summary, the available evidence is currently insufficient to determine the role of this variant in disease. Therefore, it has been classified as a Variant of Uncertain Significance.